The following is an entry in ClinVar:

ClinVar aggregate classification (germline): Uncertain significance. Review status: criteria provided, multiple submitters, no conflicts (2 of 4 stars). 2 submissions from 2 submitters: Uncertain significance (2). Last evaluated 2023-05-04.

Conditions:
Hereditary cancer-predisposing syndrome. Also called: Neoplastic Syndromes, Hereditary; Hereditary neoplastic syndrome; Hereditary Cancer Syndrome; Tumor predisposition. Identifiers: Orphanet 140162, MedGen C0027672, MeSH D009386, MONDO:0015356.
Gastrointestinal stromal tumor. Also called: Gastrointestinal stromal tumor, somatic; Gastrointestinal stroma tumor. Identifiers: Orphanet 44890, MedGen C0238198, MeSH D046152, MONDO:0011719, OMIM 606764, HP:0100723.
Pheochromocytoma. Also called: MAX-Related Hereditary Paraganglioma-Pheochromocytoma Syndrome. Identifiers: Orphanet 29072, MedGen C0031511, MONDO:0008233, OMIM 171300, HP:0002666.
Pheochromocytoma/paraganglioma syndrome 4. Also called: PARAGANGLIOMA, FAMILIAL MALIGNANT; PARAGANGLIOMAS, HEREDITARY EXTRAADRENAL; PHEOCHROMOCYTOMA, FAMILIAL EXTRAADRENAL; Paragangliomas 4; SDHB-Related Hereditary Paraganglioma-Pheochromocytoma Syndrome (Paragangliomas 4); SDHB-Related Hereditary Paraganglioma-Pheochromocytoma Syndrome. Identifiers: Orphanet 29072, MedGen C1861848, MONDO:0007273, OMIM 115310.

Submissions (2):

Ambry Genetics
Classification: Uncertain significance for Hereditary cancer-predisposing syndrome. Last evaluated: 2023-05-04. Review status: criteria provided, single submitter. Criteria: Ambry Variant Classification Scheme 2023. Collection method: clinical testing. Allele origin: germline.
Comment: The c.765+5G>T intronic variant results from a G to T substitution 5 nucleotides after coding exon 7 in the SDHB gene. This nucleotide position is not well conserved in available vertebrate species. In silico splice site analysis predicts that this alteration will not have any significant effect on splicing. Since supporting evidence is limited at this time, the clinical significance of this alteration remains unclear.

Labcorp Genetics (formerly Invitae), Labcorp
Classification: Uncertain significance for Gastrointestinal stromal tumor; Pheochromocytoma/paraganglioma syndrome 4; Pheochromocytoma. Last evaluated: 2022-01-11. Review status: criteria provided, single submitter. Criteria: Invitae Variant Classification Sherloc (09022015). Collection method: clinical testing. Allele origin: germline.
Comment: ClinVar contains an entry for this variant (Variation ID: 230780). In summary, the available evidence is currently insufficient to determine the role of this variant in disease. Therefore, it has been classified as a Variant of Uncertain Significance. Variants that disrupt the consensus splice site are a relatively common cause of aberrant splicing (PMID: 17576681, 9536098). Algorithms developed to predict the effect of sequence changes on RNA splicing suggest that this variant may disrupt the consensus splice site. This variant has not been reported in the literature in individuals affected with SDHB-related conditions. This variant is not present in population databases (gnomAD no frequency). This sequence change falls in intron 7 of the SDHB gene. It does not directly change the encoded amino acid sequence of the SDHB protein. It affects a nucleotide within the consensus splice site.

Literature cited by the submitters: PubMed 17576681 (cited by Labcorp Genetics (formerly Invitae), Labcorp); PubMed 9536098 (cited by Labcorp Genetics (formerly Invitae), Labcorp).

NM_003000.3(SDHB):c.765+5G>T

Gene: SDHB (succinate dehydrogenase complex iron sulfur subunit B; minus strand). Cytogenetic location: 1p36.13.
Variant type: single nucleotide variant.
Coding change: c.765+5G>T on transcript NM_003000.3 (MANE Select); 5 bases into the intron after coding-DNA position 765, G replaced by T.
Molecular consequence: intron variant.
Genome position (GRCh38, 1-based): chr1:17,022,603, C>A on the plus strand (G>T on the coding strand, the complement: SDHB is on the minus strand). VCF-style: chr1-17022603-C-A. GRCh37 (hg19) VCF-style: chr1-17349098-C-A.
Identifiers: ClinVar variation 230780 (VCV000230780.11), dbSNP rs199945904, ClinGen allele CA10577668.